The following is an entry in ClinVar:

ClinVar aggregate classification (germline): Uncertain significance (1 of 4 stars; one submission).

Allele frequency attached by ClinVar (database versions not stated): gnomAD exomes below 0.00001; TOPMed 0.00001; ExAC 0.00002.
gnomAD v4.1: 8 of 1,614,092 alleles (0.0005%); highest among the groups gnomAD compares: African/African-American, 0.0027%; no homozygotes.

Submission:

Labcorp Genetics (formerly Invitae), Labcorp
Classification: Uncertain significance. Last evaluated: 2023-02-21. Review status: criteria provided, single submitter. Criteria: Invitae Variant Classification Sherloc (09022015). Collection method: clinical testing. Allele origin: germline.
Comment: This variant has not been reported in the literature in individuals affected with GSN-related conditions. This variant is present in population databases (rs749370822, gnomAD 0.01%). This sequence change replaces arginine, which is basic and polar, with glutamine, which is neutral and polar, at codon 740 of the GSN protein (p.Arg740Gln). In summary, the available evidence is currently insufficient to determine the role of this variant in disease. Therefore, it has been classified as a Variant of Uncertain Significance. Advanced modeling of protein sequence and biophysical properties (such as structural, functional, and spatial information, amino acid conservation, physicochemical variation, residue mobility, and thermodynamic stability) performed at Invitae indicates that this missense variant is not expected to disrupt GSN protein function.

NM_198252.3(GSN):c.2066G>A (p.Arg689Gln)

Gene: GSN (gelsolin; plus strand). Cytogenetic location: 9q33.2.
Variant type: single nucleotide variant.
Coding change: c.2066G>A on transcript NM_198252.3 (MANE Select); coding-DNA position 2066, G replaced by A.
Protein change: p.Arg689Gln; replaces arginine 689 with glutamine.
Molecular consequence: missense variant.
Genome position (GRCh38, 1-based): chr9:121,332,473, G>A. VCF-style: chr9-121332473-G-A. GRCh37 (hg19) VCF-style: chr9-124094751-G-A.
Other names: c.2117G>A, p.Arg706Gln (NM_001258029.2); c.2090G>A, p.Arg697Gln (NM_001258030.2); c.2066G>A, p.Arg689Gln (NM_001353053.1, NM_001353054.1, NM_001353055.2 and 10 more transcripts); c.2219G>A, p.Arg740Gln (NM_000177.5); c.2174G>A, p.Arg725Gln (NM_001127663.2); c.2099G>A, p.Arg700Gln (NM_001127666.2, NM_001127667.2, NM_001353070.2 and 13 more transcripts); c.2138G>A, p.Arg713Gln (NM_001353076.2); c.1412G>A, p.Arg471Gln (NM_001353078.2); short protein forms R700Q, R713Q, R471Q, R689Q, R697Q, R725Q, R740Q, R706Q.
Identifiers: ClinVar variation 2993431 (VCV002993431.3), dbSNP rs749370822, ClinGen allele CA5221535.